The following is an entry in ClinVar:

ClinVar aggregate classification (germline): Uncertain significance (1 of 4 stars; one submission).

Submission:

Ambry Genetics
Classification: Uncertain significance. Last evaluated: 2024-09-02. Review status: criteria provided, single submitter. Criteria: Ambry Variant Classification Scheme 2023. Collection method: clinical testing. Allele origin: germline.
Comment: The p.A1435G variant (also known as c.4304C>G), located in coding exon 12 of the MLH3 gene, results from a C to G substitution at nucleotide position 4304. The alanine at codon 1435 is replaced by glycine, an amino acid with similar properties. This amino acid position is conserved. In addition, this alteration is predicted to be tolerated by in silico analysis. Based on the available evidence, the clinical significance of this variant remains unclear.

NM_001040108.2(MLH3):c.4304C>G (p.Ala1435Gly)

Gene: MLH3 (mutL homolog 3; minus strand). Cytogenetic location: 14q24.3.
Variant type: single nucleotide variant.
Coding change: c.4304C>G on transcript NM_001040108.2 (MANE Select); coding-DNA position 4304, C replaced by G.
Protein change: p.Ala1435Gly; replaces alanine 1435 with glycine.
Molecular consequence: missense variant.
Genome position (GRCh38, 1-based): chr14:75,017,140, G>C on the plus strand (C>G on the coding strand, the complement: MLH3 is on the minus strand). VCF-style: chr14-75017140-G-C. GRCh37 (hg19) VCF-style: chr14-75483843-G-C.
Other names: c.4232C>G, p.Ala1411Gly (NM_014381.3); short protein forms A1411G, A1435G.
Identifiers: ClinVar variation 3396705 (VCV003396705.1).
Genomic context (GRCh38, chr14:75,017,140, plus strand): 5'-TCTCATGGTGGCTCACAGGGAGGCATGGATTGCTGCAGGCTCTGCCTTGTATCACACTCT[G>C]CTTTTCCAAAGAGACGCCAGGCCTGGGCCATTTTGCGAAGTTTAGTGAGGTTGGGTTTAA-3'
Protein context (NP_001035197.1, residues 1425-1445): MAQAWRLFGK[Ala1435Gly]ECDTRQSLQQ